The following is an entry in ClinVar:

NM_000548.5(TSC2):c.3884-16G>A

Gene: TSC2 (TSC complex subunit 2; plus strand). Cytogenetic location: 16p13.3.
Variant type: single nucleotide variant.
Coding change: c.3884-16G>A on transcript NM_000548.5 (MANE Select); 16 bases into the intron before coding-DNA position 3884, G replaced by A.
Molecular consequence: intron variant.
Genome position (GRCh38, 1-based): chr16:2,083,679, G>A. VCF-style: chr16-2083679-G-A. GRCh37 (hg19) VCF-style: chr16-2133680-G-A.
Other names: c.3815-16G>A (NM_001114382.3); c.3755-16G>A (NM_021055.3, NM_001370405.1); c.3686-16G>A (NM_001363528.2); c.3752-16G>A (NM_001370404.1); c.3683-16G>A (NM_001077183.3); c.3575-16G>A (NM_001318827.2); c.3152-16G>A (NM_001318831.2); c.3539-16G>A (NM_001318829.2); and 1 more.
Identifiers: ClinVar variation 516148 (VCV000516148.11), dbSNP rs544004178, ClinGen allele CA049186.

ClinVar aggregate classification (germline): Benign/Likely benign. Review status: criteria provided, multiple submitters, no conflicts (2 of 4 stars). 4 submissions from 4 submitters: Benign (2); Likely benign (2). Last evaluated 2026-02-03.

Conditions:
Tuberous sclerosis 2 (TSC2). Identifiers: Orphanet 805, MedGen C1860707, MONDO:0013199, OMIM 613254.

Allele frequency attached by ClinVar (database versions not stated): TOPMed 0.00003; gnomAD 0.00004 and 0.00005; gnomAD exomes 0.00004; ExAC 0.00008; 1000 Genomes Project 30x 0.00016; 1000 Genomes Project 0.00020.
gnomAD v4.1: 113 of 1,571,042 alleles (0.0072%); highest among the groups gnomAD compares: Middle Eastern, 0.017%; no homozygotes.

Submissions (4):

Labcorp Genetics (formerly Invitae), Labcorp
Classification: Benign for Tuberous sclerosis 2. Last evaluated: 2026-02-03. Review status: criteria provided, single submitter. Criteria: Invitae Variant Classification Sherloc (09022015). Collection method: clinical testing. Allele origin: germline.

Myriad Genetics, Inc.
Classification: Benign for Tuberous sclerosis 2. Last evaluated: 2025-06-02. Review status: criteria provided, single submitter. Criteria: Myriad Autosomal Dominant, Autosomal Recessive and X-Linked Classification Criteria (2023). Collection method: clinical testing. Allele origin: unknown.
Comment: This variant is considered benign. This variant is intronic and is not expected to impact mRNA splicing. This variant has been observed at a population frequency that is significantly greater than expected given the associated disease prevalence and penetrance.

Blueprint Genetics
Classification: Likely benign. Last evaluated: 2023-05-12. Review status: criteria provided, single submitter. Criteria: ACMG Guidelines, 2015. Collection method: clinical testing. Allele origin: germline.

GeneDx
Classification: Likely benign. Last evaluated: 2017-08-14. Review status: criteria provided, single submitter. Criteria: GeneDx Variant Classification (06012015). Collection method: clinical testing. Allele origin: germline. Affected: yes.
Comment: This variant is considered likely benign or benign based on one or more of the following criteria: it is a conservative change, it occurs at a poorly conserved position in the protein, it is predicted to be benign by multiple in silico algorithms, and/or has population frequency not consistent with disease.